The following is an entry in ClinVar:

ClinVar aggregate classification (germline): Likely pathogenic (1 of 4 stars; one submission).

Conditions:
CDKL5 disorder. Identifiers: MedGen CN296942, MONDO:0100039.

Submission:

Centre for Population Genomics, CPG
Classification: Likely pathogenic for CDKL5 disorder. Last evaluated: 2024-09-13. Review status: criteria provided, single submitter. Criteria: McKnight et al. (Hum Mutat. 2022). Collection method: curation. Allele origin: germline. Inheritance: X-linked inheritance.
Comment: This variant has been collected from RettBASE and curated to current modified ACMG/AMP criteria. Based on the classification scheme defined by the ClinGen Rett/Angelman-like Expert Panel for Rett/AS-like Disorders Specifications to the ACMG/AMP Variant Interpretation Guidelines VCEP 3.0, this variant is classified as likely pathogenic. At least the following criteria are met: Predicted to result in loss of function, and LOF is a known mechanism of disease (PVS1). This variant is absent from gnomAD (PM2_Supporting). Has been observed in at least 1 individual with phenotypes consistent with CDKL5 disorder (PMID: 22872100).

NM_001323289.2(CDKL5):c.857dup (p.Tyr286Ter)

Gene: CDKL5 (cyclin dependent kinase like 5; plus strand). Cytogenetic location: Xp22.13.
Variant type: Duplication.
Coding change: c.857dup on transcript NM_001323289.2 (MANE Select); coding-DNA position 857, one base duplicated (A; older notation c.857dupA).
Protein change: p.Tyr286Ter; replaces tyrosine 286 with a stop codon.
Molecular consequence: nonsense.
Genome position (GRCh38, 1-based): chrX:18,598,493, A duplicated. VCF-style (leftmost placement, unchanged base first): chrX-18598492-T-TA. GRCh37 (hg19) VCF-style: chrX-18616612-T-TA.
Other names: NM_003159.3:c.857dup; c.857dup, p.Tyr286Ter (NM_001037343.2, NM_003159.3); short protein forms Y286*.
Identifiers: ClinVar variation 3343992 (VCV003343992.1).